The following is an entry in ClinVar:

NM_001378454.1(ALMS1):c.12298+7C>G

Genes: ALMS1 (ALMS1 centrosome and basal body associated protein; plus strand), LOC126806252 (BRD4-independent group 4 enhancer GRCh37_chr2:73828496-73829695; plus strand). Cytogenetic location: 2p13.1.
Variant type: single nucleotide variant.
Coding change: c.12298+7C>G on transcript NM_001378454.1 (MANE Select); 7 bases into the intron after coding-DNA position 12298, C replaced by G.
Molecular consequence: intron variant.
Genome position (GRCh38, 1-based): chr2:73,602,375, C>G. VCF-style: chr2-73602375-C-G. GRCh37 (hg19) VCF-style: chr2-73829502-C-G.
Other names: c.12298+7C>G (NM_015120.4); c.12301+7C>G (NM_015120.4).
Identifiers: ClinVar variation 1331490 (VCV001331490.1), dbSNP rs1252100215, ClinGen allele CA892843925.

ClinVar aggregate classification (germline): Uncertain significance (1 of 4 stars; one submission).

Allele frequency attached by ClinVar (database versions not stated): gnomAD exomes below 0.00001.
gnomAD v4.1: 6 of 1,614,034 alleles (0.00037%); highest among the groups gnomAD compares: Non-Finnish European, 0.00051%; no homozygotes.

Submission:

Women's Health and Genetics/Laboratory Corporation of America, LabCorp
Classification: Uncertain significance. Last evaluated: 2021-12-27. Review status: criteria provided, single submitter. Criteria: LabCorp Variant Classification Summary - May 2015. Collection method: clinical testing. Allele origin: germline.
Comment: Variant summary: ALMS1 c.12295+7C>G (also known as c.12301+7C>G in NCBI RefSeq) alters a non-conserved nucleotide located close to a canonical splice site and therefore could affect mRNA splicing, leading to a significantly altered protein sequence. 4/4 computational tools predict no significant impact on normal splicing. However, these predictions have yet to be confirmed by functional studies. The variant was absent in 250284 control chromosomes. The available data on variant occurrences in the general population are insufficient to allow any conclusion about variant significance. To our knowledge, no occurrence of c.12295+7C>G in individuals affected with Alstrom Syndrome With Dilated Cardiomyopathy and no experimental evidence demonstrating its impact on protein function have been reported. No clinical diagnostic laboratories have submitted clinical-significance assessments for this variant to ClinVar after 2014. Based on the evidence outlined above, the variant was classified as uncertain significance.